The following is an entry in ClinVar:

ClinVar aggregate classification (germline): Uncertain significance (1 of 4 stars; one submission).

Submission:

Labcorp Genetics (formerly Invitae), Labcorp
Classification: Uncertain significance. Last evaluated: 2025-07-23. Review status: criteria provided, single submitter. Criteria: Invitae Variant Classification Sherloc (09022015). Collection method: clinical testing. Allele origin: germline.
Comment: This sequence change replaces glutamic acid, which is acidic and polar, with valine, which is neutral and non-polar, at codon 34 of the ICOSLG protein (p.Glu34Val). This variant is not present in population databases (gnomAD no frequency). This variant has not been reported in the literature in individuals affected with ICOSLG-related conditions. ClinVar contains an entry for this variant (Variation ID: 1377012). An algorithm developed to predict the effect of missense changes on protein structure and function (PolyPhen-2) suggests that this variant is likely to be tolerated. In summary, the available evidence is currently insufficient to determine the role of this variant in disease. Therefore, it has been classified as a Variant of Uncertain Significance.

NM_015259.6(ICOSLG):c.101A>T (p.Glu34Val)

Gene: ICOSLG (inducible T cell costimulator ligand; minus strand). Cytogenetic location: 21q22.3.
Variant type: single nucleotide variant.
Coding change: c.101A>T on transcript NM_015259.6 (MANE Select); coding-DNA position 101, A replaced by T.
Protein change: p.Glu34Val; replaces glutamic acid 34 with valine.
Molecular consequence: missense variant. On other transcripts: intron variant (2).
Genome position (GRCh38, 1-based): chr21:44,237,172, T>A on the plus strand (A>T on the coding strand, the complement: ICOSLG is on the minus strand). VCF-style: chr21-44237172-T-A. GRCh37 (hg19) VCF-style: chr21-45657055-T-A.
Other names: c.101A>T, p.Glu34Val (NM_001283050.2); c.20A>T, p.Glu7Val (NM_001365759.2); c.55+1276A>T (NM_001283051.2); c.-48-107A>T (NM_001283052.2); short protein forms E34V, E7V.
Identifiers: ClinVar variation 1377012 (VCV001377012.6), dbSNP rs2146345111, ClinGen allele CA410616721.